The following is an entry in ClinVar:

NM_007118.4(TRIO):c.4697A>G (p.Asp1566Gly)

Gene: TRIO (trio Rho guanine nucleotide exchange factor; plus strand). Cytogenetic location: 5p15.2.
Variant type: single nucleotide variant.
Coding change: c.4697A>G on transcript NM_007118.4 (MANE Select); coding-DNA position 4697, A replaced by G.
Protein change: p.Asp1566Gly; replaces aspartic acid 1566 with glycine.
Molecular consequence: missense variant. On other transcripts: non-coding transcript variant (1).
Genome position (GRCh38, 1-based): chr5:14,401,045, A>G. VCF-style: chr5-14401045-A-G. GRCh37 (hg19) VCF-style: chr5-14401154-A-G.
Other names: short protein forms D1566G.
Identifiers: ClinVar variation 3359656 (VCV003359656.2).

ClinVar aggregate classification (germline): Uncertain significance (1 of 4 stars; one submission).

Submission:

GeneDx
Classification: Uncertain significance. Last evaluated: 2026-05-09. Review status: criteria provided, single submitter. Criteria: GeneDx Variant Classification Process June 2021. Collection method: clinical testing. Allele origin: germline.
Comment: Not observed at significant frequency in large population cohorts (gnomAD); In silico analysis supports that this missense variant has a deleterious effect on protein structure/function; In silico analysis supports a deleterious effect on splicing; Has not been previously published as pathogenic or benign to our knowledge